The following is an entry in ClinVar:

ClinVar aggregate classification (germline): Uncertain significance (1 of 4 stars; one submission).

Submission:

Labcorp Genetics (formerly Invitae), Labcorp
Classification: Uncertain significance. Last evaluated: 2021-08-13. Review status: criteria provided, single submitter. Criteria: Invitae Variant Classification Sherloc (09022015). Collection method: clinical testing. Allele origin: germline.
Comment: In summary, the available evidence is currently insufficient to determine the role of this variant in disease. Therefore, it has been classified as a Variant of Uncertain Significance. Advanced modeling of protein sequence and biophysical properties (such as structural, functional, and spatial information, amino acid conservation, physicochemical variation, residue mobility, and thermodynamic stability) performed at Invitae indicates that this missense variant is not expected to disrupt COL4A5 protein function. This variant has not been reported in the literature in individuals affected with COL4A5-related conditions. This variant is not present in population databases (ExAC no frequency). This sequence change replaces methionine with isoleucine at codon 1519 of the COL4A5 protein (p.Met1519Ile). The methionine residue is highly conserved and there is a small physicochemical difference between methionine and isoleucine.

NM_033380.3(COL4A5):c.4575G>C (p.Met1525Ile)

Gene: COL4A5 (collagen type IV alpha 5 chain; plus strand). Cytogenetic location: Xq22.3.
Variant type: single nucleotide variant.
Coding change: c.4575G>C on transcript NM_033380.3 (MANE Select); coding-DNA position 4575, G replaced by C.
Protein change: p.Met1525Ile; replaces methionine 1525 with isoleucine.
Molecular consequence: missense variant.
Genome position (GRCh38, 1-based): chrX:108,692,794, G>C. VCF-style: chrX-108692794-G-C. GRCh37 (hg19) VCF-style: chrX-107936024-G-C.
Other names: c.4557G>C, p.Met1519Ile (NM_000495.5); short protein forms M1525I, M1519I.
Identifiers: ClinVar variation 1471575 (VCV001471575.8), dbSNP rs2147998421, ClinGen allele CA413855398.
Genomic context (GRCh38, chrX:108,692,794, plus strand): 5'-CCAAATCTTTCTAGGGACGGCTGGCAGCTGCCTTCGTCGCTTTAGTACCATGCCTTTCAT[G>C]TTCTGCAACATCAATAATGTTTGCAACTTTGCTTCAAGAAATGACTATTCTTACTGGCTC-3'
Protein context (NP_203699.1, residues 1515-1535): CLRRFSTMPF[Met1525Ile]FCNINNVCNF